The following is an entry in ClinVar:

ClinVar aggregate classification (germline): Uncertain significance (1 of 4 stars; one submission).

Conditions:
Pierson syndrome. Also called: MICROCORIA-CONGENITAL NEPHROTIC SYNDROME. Identifiers: Orphanet 2670, MedGen C1836876, MONDO:0012184, OMIM 609049.
LAMB2-related infantile-onset nephrotic syndrome. Also called: NEPHROTIC SYNDROME, TYPE 5, WITHOUT OCULAR ABNORMALITIES; NEPHROTIC SYNDROME, TYPE 5, WITH OCULAR ABNORMALITIES; Nephrotic Syndrome, type 5. Identifiers: Orphanet 306507, MedGen C3280113, MONDO:0013621, OMIM 614199.

Submission:

Labcorp Genetics (formerly Invitae), Labcorp
Classification: Uncertain significance for LAMB2-related infantile-onset nephrotic syndrome; Pierson syndrome. Last evaluated: 2024-03-02. Review status: criteria provided, single submitter. Criteria: Invitae Variant Classification Sherloc (09022015). Collection method: clinical testing. Allele origin: germline.
Comment: This sequence change falls in intron 2 of the LAMB2 gene. It does not directly change the encoded amino acid sequence of the LAMB2 protein. This variant is not present in population databases (gnomAD no frequency). This variant has not been reported in the literature in individuals affected with LAMB2-related conditions. In summary, the available evidence is currently insufficient to determine the role of this variant in disease. Therefore, it has been classified as a Variant of Uncertain Significance.

NM_002292.4(LAMB2):c.249+14_249+29del

Gene: LAMB2 (laminin subunit beta 2; minus strand). Cytogenetic location: 3p21.31.
Variant type: Deletion.
Coding change: c.249+14_249+29del on transcript NM_002292.4 (MANE Select); bases 14 to 29 of the intron after coding-DNA position 249, 16 bases deleted (CAGGGTGTGACGCCGA).
Molecular consequence: intron variant.
Genome position (GRCh38, 1-based): chr3:49,132,462-49,132,477, TCGGCGTCACACCCTG deleted on the plus strand (CAGGGTGTGACGCCGA on the coding strand, the reverse complement: LAMB2 is on the minus strand); deleting any 16 consecutive bases within chr3:49,132,462-49,132,479 gives the same sequence; the c. name uses the placement nearest the transcript's 3' end. VCF-style (leftmost placement, unchanged base first): chr3-49132461-CTCGGCGTCACACCCTG-C. GRCh37 (hg19) VCF-style: chr3-49169894-CTCGGCGTCACACCCTG-C.
Identifiers: ClinVar variation 3754952 (VCV003754952.2).